The following is an entry in ClinVar:

NM_014585.6(SLC40A1):c.1035G>C (p.Leu345Phe)

Gene: SLC40A1 (solute carrier family 40 member 1; minus strand). Cytogenetic location: 2q32.2.
Variant type: single nucleotide variant.
Coding change: c.1035G>C on transcript NM_014585.6 (MANE Select); coding-DNA position 1035, G replaced by C.
Protein change: p.Leu345Phe; replaces leucine 345 with phenylalanine.
Molecular consequence: missense variant.
Genome position (GRCh38, 1-based): chr2:189,563,951, C>G on the plus strand (G>C on the coding strand, the complement: SLC40A1 is on the minus strand). VCF-style: chr2-189563951-C-G. GRCh37 (hg19) VCF-style: chr2-190428677-C-G.
Other names: short protein forms L345F.
Identifiers: ClinVar variation 986318 (VCV000986318.3), dbSNP rs1436123615, ClinGen allele CA349987872.

ClinVar aggregate classification (germline): Uncertain significance. Review status: criteria provided, multiple submitters, no conflicts (2 of 4 stars). 3 submissions from 3 submitters: Uncertain significance (2). 1 of the submissions does not count toward it. Last evaluated 2025-01-29.

Conditions:
Hemochromatosis type 4 (HFE4). Also called: HEMOCHROMATOSIS DUE TO DEFECT IN FERROPORTIN; HEMOCHROMATOSIS, AUTOSOMAL DOMINANT; Ferroportin disease. Identifiers: Orphanet 139491, Orphanet 647834, Orphanet 648562, MedGen C1853733, MONDO:0011631, OMIM 606069.
SLC40A1-related disorder. Also called: SLC40A1-related condition.

Allele frequency attached by ClinVar (database versions not stated): TOPMed 0.00001.
gnomAD v4.1: 2 of 1,614,110 alleles (0.00012%); highest among the groups gnomAD compares: South Asian, 0.0011%; no homozygotes.

Submissions (3):

PreventionGenetics, part of Exact Sciences
Classification: Uncertain significance for SLC40A1-related condition. Last evaluated: 2025-01-29. Review status: criteria provided, single submitter. Criteria: ACMG Guidelines, 2015. Collection method: clinical testing. Allele origin: germline.
Comment: The SLC40A1 c.1035G>C variant is predicted to result in the amino acid substitution p.Leu345Phe. This variant was reported in an individual with Hemochromatosis type 4 (Callebaut et al. 2014 PubMed ID: 24714983). However, functional studies using HEK293T cells indicate the p.Leu345Phe variant has no significant impact to protein structure and function (Callebaut et al. 2014 PubMed ID: 24714983). To our knowledge, this variant has not been reported in a large population database (gnomAD), indicating this variant is rare. At this time, the clinical significance of this variant is uncertain due to the absence of conclusive functional and genetic evidence.

GeneDx
Classification: Uncertain significance. Last evaluated: 2024-09-22. Review status: criteria provided, single submitter. Criteria: GeneDx Variant Classification Process June 2021. Collection method: clinical testing. Allele origin: germline. Affected: yes.
Comment: Not observed at significant frequency in large population cohorts (gnomAD); In silico analysis supports that this missense variant has a deleterious effect on protein structure/function; This variant is associated with the following publications: (PMID: 24714983, 31505869)

Laboratory of Molecular Genetics and Genomics, Rennes University Hospital
Classification: Uncertain significance for Hemochromatosis type 4. Last evaluated: 2020-07-01. Review status: no assertion criteria provided. Criteria: ACMG Guidelines, 2015. Collection method: clinical testing. Allele origin: germline. Affected: yes. Not counted in ClinVar's aggregate classification.